The following is an entry in ClinVar:

ClinVar aggregate classification (germline): Pathogenic. Review status: criteria provided, multiple submitters, no conflicts (2 of 4 stars). 7 submissions from 7 submitters: Pathogenic (7). Last evaluated 2026-05-21.

Conditions:
NGLY1-related disorder. Also called: NGLY1-related condition.
Congenital disorder of deglycosylation (CDDG). Identifiers: MedGen C3808991, MONDO:0031376.
Congenital disorder of deglycosylation 1. Also called: NGLY1-Related Congenital Disorder of Deglycosylation; NGLY1-deficiency. Identifiers: Orphanet 404454, MedGen CN306977, MONDO:0800044, OMIM 615273.
Inborn genetic diseases. Identifiers: MedGen C0950123, MeSH D030342.

Allele frequency attached by ClinVar (database versions not stated): ExAC 0.00002; gnomAD 0.00002 and 0.00003; gnomAD exomes 0.00002; TOPMed 0.00002.
gnomAD v4.1: 11 of 1,613,290 alleles (0.00068%); highest among the groups gnomAD compares: East Asian, 0.0045%; no homozygotes.

Submissions (7):

Victorian Clinical Genetics Services, Murdoch Childrens Research Institute
Classification: Pathogenic for Congenital disorder of deglycosylation 1. Last evaluated: 2026-05-21. Review status: criteria provided, single submitter. Criteria: ACMG Guidelines, 2015. Collection method: clinical testing. Allele origin: germline. Affected: no.
Comment: This variant is classified as Pathogenic. Evidence in support of pathogenic classification: Variant is predicted to cause nonsense-mediated decay (NMD) and loss of protein (premature termination codon is located at least 54 nucleotides upstream of the final exon-exon junction); Variant is present in gnomAD <0.01 for a recessive condition (v4: 11 heterozygote(s), 0 homozygote(s)). - This variant has strong previous evidence of pathogenicity in unrelated individuals. This variant has been classified as pathogenic by multiple clinical laboratories (ClinVar) and reported in the literature in a homozygous individual with congenital disorder of deglycosylation (PMID: 31497478). - Other NMD-predicted variant(s) comparable to the one identified in this case have very strong previous evidence for pathogenicity (DECIPHER). Additional information: This variant is heterozygous; This gene is associated with autosomal recessive disease; Loss of function is a known mechanism of disease in this gene and is associated with congenital disorder of deglycosylation 1 (MIM#615273).

Labcorp Genetics (formerly Invitae), Labcorp
Classification: Pathogenic for Congenital disorder of deglycosylation. Last evaluated: 2026-01-05. Review status: criteria provided, single submitter. Criteria: Invitae Variant Classification Sherloc (09022015). Collection method: clinical testing. Allele origin: germline.
Comment: This sequence change creates a premature translational stop signal (p.Arg469*) in the NGLY1 gene. It is expected to result in an absent or disrupted protein product. Loss-of-function variants in NGLY1 are known to be pathogenic (PMID: 24651605). This variant is present in population databases (rs768131676, gnomAD 0.02%). This premature translational stop signal has been observed in individual(s) with epilepsy and autism spectrum disorder (PMID: 26795593, 28330790). ClinVar contains an entry for this variant (Variation ID: 488990). Algorithms developed to predict the effect of sequence changes on RNA splicing suggest that this variant may disrupt the consensus splice site. For these reasons, this variant has been classified as Pathogenic.

Medical Molecular Genetics, National Research Centre
Classification: Pathogenic for Congenital disorder of deglycosylation 1. Last evaluated: 2025-11-01. Review status: criteria provided, single submitter. Criteria: ACMG Guidelines, 2015. Collection method: research. Allele origin: inherited. Affected: yes.

GeneDx
Classification: Pathogenic. Last evaluated: 2024-05-31. Review status: criteria provided, single submitter. Criteria: GeneDx Variant Classification Process June 2021. Collection method: clinical testing. Allele origin: germline. Affected: yes.
Comment: Nonsense variant predicted to result in protein truncation or nonsense mediated decay in a gene for which loss of function is a known mechanism of disease; This variant is associated with the following publications: (PMID: 32071843, 35243670, 31440721, 34939090, 32395402, 31497478, 28330790, 36528660, 38628705, 26795593)

Blueprint Genetics
Classification: Pathogenic for NGLY1-related disorders. Last evaluated: 2022-04-14. Review status: criteria provided, single submitter. Criteria: ACMG Guidelines, 2015. Collection method: clinical testing. Allele origin: germline. Affected: yes. Observed: 3 variant alleles.

Ambry Genetics
Classification: Pathogenic for Inborn genetic diseases. Last evaluated: 2021-11-24. Review status: criteria provided, single submitter. Criteria: Ambry Variant Classification Scheme 2023. Collection method: clinical testing. Allele origin: germline.
Comment: The c.1405C>T (p.R469*) alteration, located in exon 9 (coding exon 9) of the NGLY1 gene, consists of a C to T substitution at nucleotide position 1405. This changes the amino acid from an arginine (R) to a stop codon at amino acid position 469. This alteration is expected to result in loss of function by premature protein truncation or nonsense-mediated mRNA decay. Based on data from gnomAD, the T allele has an overall frequency of <0.01% (5/251086) total alleles studied. The highest observed frequency was 0.02% (3/18388) of East Asian alleles. This alteration has been identified as homozygous in multiple unrelated individuals with NGLY1-related congenital disorder of deglycosylation (Helbig, 2016; Chang, 2019). Based on the available evidence, this alteration is classified as pathogenic.

Juno Genomics, Hangzhou Juno Genomics, Inc
Classification: Pathogenic for Congenital disorder of deglycosylation 1. Review status: criteria provided, single submitter. Criteria: ACMG Guidelines, 2015. Collection method: clinical testing. Allele origin: germline. Affected: yes.
Comment: Null variant in a gene where loss of function (LOF) is a known mechanism of disease.;Absent from controls (or at extremely low frequency if recessive) in Genome Aggregation Database, Exome Sequencing Project, 1000 Genomes Project, or Exome Aggregation Consortium.;For recessive disorders, detected in trans with a pathogenic variant.

Literature cited by the submitters: PubMed 31497478 (cited by Victorian Clinical Genetics Services, Murdoch Childrens Research Institute and Ambry Genetics); PubMed 24651605 (cited by Labcorp Genetics (formerly Invitae), Labcorp); PubMed 26795593 (cited by Labcorp Genetics (formerly Invitae), Labcorp and Ambry Genetics); PubMed 28330790 (cited by Labcorp Genetics (formerly Invitae), Labcorp).

NM_018297.4(NGLY1):c.1405C>T (p.Arg469Ter)

Gene: NGLY1 (N-glycanase 1; minus strand). Cytogenetic location: 3p24.2.
Variant type: single nucleotide variant.
Coding change: c.1405C>T on transcript NM_018297.4 (MANE Select); coding-DNA position 1405, C replaced by T.
Protein change: p.Arg469Ter; replaces arginine 469 with a stop codon.
Molecular consequence: nonsense.
Genome position (GRCh38, 1-based): chr3:25,732,339, G>A on the plus strand (C>T on the coding strand, the complement: NGLY1 is on the minus strand). VCF-style: chr3-25732339-G-A. GRCh37 (hg19) VCF-style: chr3-25773830-G-A.
Other names: c.1351C>T, p.Arg451Ter (NM_001145293.2); c.1279C>T, p.Arg427Ter (NM_001145294.2); c.1405C>T, p.Arg469Ter (NM_001145295.2); short protein forms R427*, R469*, R451*.
Identifiers: ClinVar variation 488990 (VCV000488990.21), dbSNP rs768131676, ClinGen allele CA2289170.